The following is an entry in ClinVar:

NM_138395.4(MARS2):c.546C>A (p.Val182=)

Gene: MARS2 (methionyl-tRNA synthetase 2, mitochondrial; plus strand). Cytogenetic location: 2q33.1.
Variant type: single nucleotide variant.
Coding change: c.546C>A on transcript NM_138395.4 (MANE Select); coding-DNA position 546, C replaced by A.
Protein change: p.Val182=; no amino-acid change (valine 182 retained).
Molecular consequence: synonymous variant.
Genome position (GRCh38, 1-based): chr2:197,705,951, C>A. VCF-style: chr2-197705951-C-A. GRCh37 (hg19) VCF-style: chr2-198570675-C-A.
Identifiers: ClinVar variation 4695727 (VCV004695727.1).

ClinVar aggregate classification (germline): Uncertain significance (1 of 4 stars; one submission).

Submission:

Labcorp Genetics (formerly Invitae), Labcorp
Classification: Uncertain significance. Last evaluated: 2025-07-30. Review status: criteria provided, single submitter. Criteria: Invitae Variant Classification Sherloc (09022015). Collection method: clinical testing. Allele origin: germline.
Comment: This sequence change affects codon 182 of the MARS2 mRNA. It is a 'silent' change, meaning that it does not change the encoded amino acid sequence of the MARS2 protein. This variant is present in population databases (rs745802593, gnomAD 0.002%). This variant has not been reported in the literature in individuals affected with MARS2-related conditions. Experimental studies and prediction algorithms are not available or were not evaluated, and the effect of this variant on mRNA splicing is currently unknown. In summary, the available evidence is currently insufficient to determine the role of this variant in disease. Therefore, it has been classified as a Variant of Uncertain Significance.